The following is an entry in ClinVar:

NM_001365951.3(KIF1B):c.2521T>G (p.Ser841Ala)

Gene: KIF1B (kinesin family member 1B; plus strand). Cytogenetic location: 1p36.22.
Variant type: single nucleotide variant.
Coding change: c.2521T>G on transcript NM_001365951.3 (MANE Select); coding-DNA position 2521, T replaced by G.
Protein change: p.Ser841Ala; replaces serine 841 with alanine.
Molecular consequence: missense variant.
Genome position (GRCh38, 1-based): chr1:10,324,046, T>G. VCF-style: chr1-10324046-T-G. GRCh37 (hg19) VCF-style: chr1-10384104-T-G.
Other names: c.2521T>G, p.Ser841Ala (NM_001365952.1); c.2383T>G, p.Ser795Ala (NM_015074.3); short protein forms S841A, S795A.
Identifiers: ClinVar variation 1790467 (VCV001790467.3), dbSNP rs1183079805, ClinGen allele CA338335147.

ClinVar aggregate classification (germline): Uncertain significance (1 of 4 stars; one submission).

Allele frequency attached by ClinVar (database versions not stated): TOPMed 0.00001.
gnomAD v4.1: 4 of 1,614,134 alleles (0.00025%); highest among the groups gnomAD compares: Non-Finnish European, 0.00025%; no homozygotes.

Submission:

Ambry Genetics
Classification: Uncertain significance. Last evaluated: 2024-04-24. Review status: criteria provided, single submitter. Criteria: Ambry Variant Classification Scheme 2023. Collection method: clinical testing. Allele origin: germline.
Comment: The p.S795A variant (also known as c.2383T>G), located in coding exon 22 of the KIF1B gene, results from a T to G substitution at nucleotide position 2383. The serine at codon 795 is replaced by alanine, an amino acid with similar properties. This amino acid position is well conserved in available vertebrate species. In addition, the in silico prediction for this alteration is inconclusive. Since supporting evidence is limited at this time, the clinical significance of this alteration remains unclear.